The following is an entry in ClinVar:

ClinVar aggregate classification (germline): Uncertain significance (1 of 4 stars; one submission).

Submission:

GeneDx
Classification: Uncertain significance. Last evaluated: 2019-05-10. Review status: criteria provided, single submitter. Criteria: GeneDx Variant Classification Process June 2021. Collection method: clinical testing. Allele origin: germline. Affected: yes.
Comment: Not observed in large population cohorts (Lek et al., 2016); In silico analysis, which includes protein predictors and evolutionary conservation, supports a deleterious effect; Has not been previously published as pathogenic or benign to our knowledge

NM_006891.4(CRYGD):c.386G>A (p.Gly129Asp)

Genes: CRYGD (crystallin gamma D; minus strand), LOC100507443 (uncharacterized LOC100507443; plus strand). Cytogenetic location: 2q33.3.
Variant type: single nucleotide variant.
Coding change: c.386G>A on transcript NM_006891.4 (MANE Select); coding-DNA position 386, G replaced by A.
Protein change: p.Gly129Asp; replaces glycine 129 with aspartic acid.
Molecular consequence: missense variant.
Genome position (GRCh38, 1-based): chr2:208,121,812, C>T on the plus strand (G>A on the coding strand, the complement: CRYGD is on the minus strand). VCF-style: chr2-208121812-C-T. GRCh37 (hg19) VCF-style: chr2-208986536-C-T.
Other names: short protein forms G129D.
Identifiers: ClinVar variation 1302993 (VCV001302993.2), dbSNP rs2105851496, ClinGen allele CA350091720.